The following is an entry in ClinVar:

NM_000834.5(GRIN2B):c.1077C>A (p.His359Gln)

Gene: GRIN2B (glutamate ionotropic receptor NMDA type subunit 2B; minus strand). Cytogenetic location: 12p13.1.
Variant type: single nucleotide variant.
Coding change: c.1077C>A on transcript NM_000834.5 (MANE Select); coding-DNA position 1077, C replaced by A.
Protein change: p.His359Gln; replaces histidine 359 with glutamine.
Molecular consequence: missense variant.
Genome position (GRCh38, 1-based): chr12:13,675,793, G>T on the plus strand (C>A on the coding strand, the complement: GRIN2B is on the minus strand). VCF-style: chr12-13675793-G-T. GRCh37 (hg19) VCF-style: chr12-13828727-G-T.
Other names: c.1077C>A, p.His359Gln (NM_001413992.1); short protein forms H359Q.
Identifiers: ClinVar variation 4790360 (VCV004790360.1).

ClinVar aggregate classification (germline): Uncertain significance (1 of 4 stars; one submission).

Conditions:
Developmental and epileptic encephalopathy, 27 (DEE27). Also called: Epileptic encephalopathy, early infantile, 27; GRIN2B-Related Neurodevelopmental Disorder. Identifiers: Orphanet 3451, MedGen C4015316, MONDO:0014505, OMIM 616139.
Intellectual developmental disorder, autosomal dominant 6, with or without seizures. Also called: Intellectual disability, autosomal dominant 6; GRIN2B-related developmental delay, intellectual disability and autism spectrum disorder. Identifiers: Orphanet 589547, MedGen C3151411, MONDO:0013509, OMIM 613970.

Submission:

Labcorp Genetics (formerly Invitae), Labcorp
Classification: Uncertain significance for Developmental and epileptic encephalopathy, 27; Intellectual developmental disorder, autosomal dominant 6, with or without seizures. Last evaluated: 2025-03-06. Review status: criteria provided, single submitter. Criteria: Invitae Variant Classification Sherloc (09022015). Collection method: clinical testing. Allele origin: germline.
Comment: This sequence change replaces histidine, which is basic and polar, with glutamine, which is neutral and polar, at codon 359 of the GRIN2B protein (p.His359Gln). This variant is not present in population databases (gnomAD no frequency). This variant has not been reported in the literature in individuals affected with GRIN2B-related conditions. Invitae Evidence Modeling of protein sequence and biophysical properties (such as structural, functional, and spatial information, amino acid conservation, physicochemical variation, residue mobility, and thermodynamic stability) indicates that this missense variant is not expected to disrupt GRIN2B protein function with a negative predictive value of 95%. In summary, the available evidence is currently insufficient to determine the role of this variant in disease. Therefore, it has been classified as a Variant of Uncertain Significance.